The following is an entry in ClinVar:

NM_052989.3(IFT122):c.2384A>C (p.Asp795Ala)

Gene: IFT122 (intraflagellar transport 122; plus strand). Cytogenetic location: 3q22.1.
Variant type: single nucleotide variant.
Coding change: c.2384A>C on transcript NM_052989.3 (MANE Select); coding-DNA position 2384, A replaced by C.
Protein change: p.Asp795Ala; replaces aspartic acid 795 with alanine.
Molecular consequence: missense variant.
Genome position (GRCh38, 1-based): chr3:129,502,719, A>C. VCF-style: chr3-129502719-A-C. GRCh37 (hg19) VCF-style: chr3-129221562-A-C.
Other names: c.2051A>C, p.Asp684Ala (NM_052990.3, NM_001410815.1); c.2360A>C, p.Asp787Ala (NM_001280541.2); c.1934A>C, p.Asp645Ala (NM_001280545.2); c.1757A>C, p.Asp586Ala (NM_001280546.2); c.2384A>C, p.Asp795Ala (NM_001410808.1); c.2330A>C, p.Asp777Ala (NM_001410809.1); c.2207A>C, p.Asp736Ala (NM_001410810.1, NM_018262.4); c.2153A>C, p.Asp718Ala (NM_001410811.1, NM_001410813.1); and 2 more; short protein forms D586A, D645A, D684A, D795A, D846A, D666A, D777A, D718A.
Identifiers: ClinVar variation 2011894 (VCV002011894.4), dbSNP rs2532424797, ClinGen allele CA354482663.
Genomic context (GRCh38, chr3:129,502,719, plus strand): 5'-GCCGTTGACAAGACCCAGAGCCCACCCTCCTACCTGCCCCTTCCCTCTCCAGGTTGATCG[A>C]CATCGCCCGCAAACTGGACAAGGCTGAGCGCGAGCCCCTGCTGCTGTGCGCTACCTACCT-3'
Protein context (NP_443715.1, residues 785-805): GDHGWVDMLI[Asp795Ala]IARKLDKAER

ClinVar aggregate classification (germline): Uncertain significance (1 of 4 stars; one submission).

Conditions:
Cranioectodermal dysplasia 1 (CED1). Also called: LEVIN SYNDROME I. Identifiers: Orphanet 1515, MedGen C0432235, MONDO:0021093, OMIM 218330.

Submission:

Labcorp Genetics (formerly Invitae), Labcorp
Classification: Uncertain significance for Cranioectodermal dysplasia 1. Last evaluated: 2022-06-28. Review status: criteria provided, single submitter. Criteria: Invitae Variant Classification Sherloc (09022015). Collection method: clinical testing. Allele origin: germline.
Comment: This sequence change replaces aspartic acid, which is acidic and polar, with alanine, which is neutral and non-polar, at codon 846 of the IFT122 protein (p.Asp846Ala). In summary, the available evidence is currently insufficient to determine the role of this variant in disease. Therefore, it has been classified as a Variant of Uncertain Significance. Algorithms developed to predict the effect of missense changes on protein structure and function are either unavailable or do not agree on the potential impact of this missense change (SIFT: "Deleterious"; PolyPhen-2: "Benign"; Align-GVGD: "Class C25"). This variant has not been reported in the literature in individuals affected with IFT122-related conditions. This variant is not present in population databases (gnomAD no frequency).